The following is an entry in ClinVar:

NM_033305.3(VPS13A):c.6482_6483del (p.Leu2161fs)

Gene: VPS13A (vacuolar protein sorting 13 homolog A; plus strand). Cytogenetic location: 9q21.2.
Variant type: Microsatellite.
Coding change: c.6482_6483del on transcript NM_033305.3 (MANE Select); coding-DNA positions 6482 to 6483, 2 bases deleted (TC; older notation c.6482_6483delTC).
Protein change: p.Leu2161fs; shifts the reading frame from leucine 2161.
Molecular consequence: frameshift variant.
Genome position (GRCh38, 1-based): chr9:77,339,619-77,339,620, TC deleted; deleting any 2 consecutive bases within chr9:77,339,617-77,339,620 gives the same sequence; the c. name uses the placement nearest the transcript's 3' end. VCF-style (leftmost placement, unchanged base first): chr9-77339616-ATC-A. GRCh37 (hg19) VCF-style: chr9-79954532-ATC-A.
Other names: c.6365_6366del, p.Leu2122fs (NM_001018037.2); c.6482_6483del, p.Leu2161fs (NM_001018038.3, NM_015186.4); c.6482_6483delTC (NM_033305.2); short protein forms L2161fs, L2122fs.
Identifiers: ClinVar variation 1452225 (VCV001452225.7), dbSNP rs2131505194, ClinGen allele CA2580616216.

ClinVar aggregate classification (germline): Pathogenic/Likely pathogenic. Review status: criteria provided, multiple submitters, no conflicts (2 of 4 stars). 2 submissions from 2 submitters: Pathogenic (1); Likely pathogenic (1). Last evaluated 2024-07-09.

Conditions:
VPS13A-related neurodegenerative disease. Also called: Choreoacanthocytosis; Chorea-acanthocytosis; VPS13A Disease; Choreaacanthocytosis; ACANTHOCYTOSIS WITH NEUROLOGIC DISORDER; LEVINE-CRITCHLEY SYNDROME. Identifiers: Orphanet 2388, MedGen C0393576, MONDO:0008695, OMIM 200150.

Submissions (2):

Natera, Inc.
Classification: Likely pathogenic for Choreaacanthocytosis. Last evaluated: 2024-07-09. Review status: criteria provided, single submitter. Criteria: Natera Variant Classification Schema (03/2026). Collection method: clinical testing. Allele origin: germline.
Comment: The c.6482_6483delTC variant in VPS13A is a frameshift variant predicted to shift the reading frame beginning at codon 2161 and leads to a stop codon 7 codons downstream. This variant is expected to result in nonsense mediated decay, truncation, or a dysfunctional protein product. This variant is rare in the general population with a frequency below the threshold expected for the associated phenotype(s). Given the available evidence, this variant is classified as Likely Pathogenic.

Labcorp Genetics (formerly Invitae), Labcorp
Classification: Pathogenic. Last evaluated: 2020-12-17. Review status: criteria provided, single submitter. Criteria: Invitae Variant Classification Sherloc (09022015). Collection method: clinical testing. Allele origin: germline.
Comment: For these reasons, this variant has been classified as Pathogenic. This variant has not been reported in the literature in individuals with VPS13A-related conditions. This variant is not present in population databases (ExAC no frequency). This sequence change creates a premature translational stop signal (p.Leu2161Glnfs*7) in the VPS13A gene. It is expected to result in an absent or disrupted protein product. Loss-of-function variants in VPS13A are known to be pathogenic (PMID: 12404112, 21598378).

Literature cited by the submitters: PubMed 12404112 (cited by Labcorp Genetics (formerly Invitae), Labcorp); PubMed 21598378 (cited by Labcorp Genetics (formerly Invitae), Labcorp).